The following is an entry in ClinVar:

NM_001378902.1(ROS1):c.5349-5dup

Gene: ROS1 (ROS proto-oncogene 1, receptor tyrosine kinase; minus strand). Cytogenetic location: 6q22.1.
Variant type: Duplication.
Coding change: c.5349-5dup on transcript NM_001378902.1 (MANE Select); 5 bases into the intron before coding-DNA position 5349, one base duplicated (T; older notation c.5349-5dupT).
Molecular consequence: intron variant.
Genome position (GRCh38, 1-based): chr6:117,326,419, A duplicated on the plus strand (T on the coding strand, the reverse complement: ROS1 is on the minus strand); the first of 6 consecutive A bases (chr6:117,326,419-117,326,424); duplicating any one gives the same sequence. VCF-style (leftmost placement, unchanged base first): chr6-117326418-C-CA. GRCh37 (hg19) VCF-style: chr6-117647581-C-CA.
Other names: c.5367-5dup (NM_002944.3); c.5355-5dup (NM_001378891.1).
Identifiers: ClinVar variation 4083517 (VCV004083517.8).

ClinVar aggregate classification (germline): Benign (1 of 4 stars; one submission).

Submission:

CeGaT Center for Human Genetics Tuebingen
Classification: Benign. Last evaluated: 2025-06-01. Review status: criteria provided, single submitter. Criteria: CeGaT Center For Human Genetics Tuebingen Variant Classification Criteria Version 2. Collection method: clinical testing. Allele origin: germline. Affected: yes. Observed: 1 variant allele.
Comment: ROS1: BP4, BS1, BS2